The following is an entry in ClinVar:

ClinVar aggregate classification (germline): Uncertain significance (1 of 4 stars; one submission).

Conditions:
Fanconi anemia (FA). Also called: Fanconi's anemia. Identifiers: Orphanet 84, MedGen C0015625, MeSH D005199, MONDO:0019391.

gnomAD v4.1: 4 of 1,612,030 alleles (0.00025%); highest among the groups gnomAD compares: Non-Finnish European, 0.00034%; no homozygotes.

Submission:

Labcorp Genetics (formerly Invitae), Labcorp
Classification: Uncertain significance for Fanconi anemia. Last evaluated: 2021-09-24. Review status: criteria provided, single submitter. Criteria: Invitae Variant Classification Sherloc (09022015). Collection method: clinical testing. Allele origin: germline.
Comment: This sequence change replaces serine with cysteine at codon 90 of the FANCA protein (p.Ser90Cys). The serine residue is weakly conserved and there is a moderate physicochemical difference between serine and cysteine. This variant is not present in population databases (ExAC no frequency). This variant has not been reported in the literature in individuals with FANCA-related conditions. Advanced modeling of protein sequence and biophysical properties (such as structural, functional, and spatial information, amino acid conservation, physicochemical variation, residue mobility, and thermodynamic stability) performed at Invitae indicates that this missense variant is not expected to disrupt FANCA protein function. In summary, the available evidence is currently insufficient to determine the role of this variant in disease. Therefore, it has been classified as a Variant of Uncertain Significance.

NM_000135.4(FANCA):c.269C>G (p.Ser90Cys)

Gene: FANCA (FA complementation group A; minus strand). Cytogenetic location: 16q24.3.
Variant type: single nucleotide variant.
Coding change: c.269C>G on transcript NM_000135.4 (MANE Select); coding-DNA position 269, C replaced by G.
Protein change: p.Ser90Cys; replaces serine 90 with cysteine.
Molecular consequence: missense variant.
Genome position (GRCh38, 1-based): chr16:89,814,534, G>C on the plus strand (C>G on the coding strand, the complement: FANCA is on the minus strand). VCF-style: chr16-89814534-G-C. GRCh37 (hg19) VCF-style: chr16-89880942-G-C.
Other names: c.269C>G, p.Ser90Cys (NM_001018112.3, NM_001286167.3, NM_001351830.2); short protein forms S90C.
Identifiers: ClinVar variation 2175306 (VCV002175306.1), dbSNP rs779218902, ClinGen allele CA397482445.